The following is an entry in ClinVar:

ClinVar aggregate classification (germline): Uncertain significance (1 of 4 stars; one submission).

Conditions:
Brown-Vialetto-van Laere syndrome 2. Also called: Riboflavin transporter deficiency type 2; SPINOCEREBELLAR ATAXIA WITH BLINDNESS AND DEAFNESS 2. Identifiers: Orphanet 572543, Orphanet 97229, MedGen C3553538, MONDO:0013867, OMIM 614707.

Submission:

Labcorp Genetics (formerly Invitae), Labcorp
Classification: Uncertain significance for Brown-Vialetto-van Laere syndrome 2. Last evaluated: 2020-02-05. Review status: criteria provided, single submitter. Criteria: Invitae Variant Classification Sherloc (09022015). Collection method: clinical testing. Allele origin: germline.
Comment: In summary, the available evidence is currently insufficient to determine the role of this variant in disease. Therefore, it has been classified as a Variant of Uncertain Significance. Algorithms developed to predict the effect of missense changes on protein structure and function are either unavailable or do not agree on the potential impact of this missense change (SIFT: "Tolerated"; PolyPhen-2: "Probably Damaging"; Align-GVGD: "Class C0"). This variant has not been reported in the literature in individuals with SLC52A2-related conditions. This variant is not present in population databases (ExAC no frequency). This sequence change replaces proline with serine at codon 219 of the SLC52A2 protein (p.Pro219Ser). The proline residue is moderately conserved and there is a moderate physicochemical difference between proline and serine.

NM_001363118.2(SLC52A2):c.655C>T (p.Pro219Ser)

Gene: SLC52A2 (solute carrier family 52 member 2; plus strand). Cytogenetic location: 8q24.3.
Variant type: single nucleotide variant.
Coding change: c.655C>T on transcript NM_001363118.2 (MANE Select); coding-DNA position 655, C replaced by T.
Protein change: p.Pro219Ser; replaces proline 219 with serine.
Molecular consequence: missense variant. On other transcripts: non-coding transcript variant (1).
Genome position (GRCh38, 1-based): chr8:144,360,147, C>T. VCF-style: chr8-144360147-C-T. GRCh37 (hg19) VCF-style: chr8-145583807-C-T.
Other names: c.655C>T, p.Pro219Ser (NM_001253815.2, NM_001253816.2, NM_001363120.2 and 2 more transcripts); c.163C>T, p.Pro55Ser (NM_001363122.2); short protein forms P219S, P55S.
Identifiers: ClinVar variation 1057027 (VCV001057027.3), dbSNP rs782793102, ClinGen allele CA372627590.
Genomic context (GRCh38, chr8:144,360,147, plus strand): 5'-GCACTGACTGCCCTTCTGGTCGCTTCAGCTGCTGCCTTCCAGGGTCTTCTGCTGCTGTTG[C>T]CGCCACCACCATCTGTACCCACAGGGGAGTTAGGATCAGGCCTCCAGGTGGGAGCCCCAG-3'
Protein context (NP_001350047.1, residues 209-229): AAFQGLLLLL[Pro219Ser]PPPSVPTGEL